The following is an entry in ClinVar:

ClinVar aggregate classification (germline): Uncertain significance (1 of 4 stars; one submission).

Allele frequency attached by ClinVar (database versions not stated): gnomAD exomes below 0.00001.
gnomAD v4.1: 1 of 1,577,106 alleles (0.000063%); highest among the groups gnomAD compares: Non-Finnish European, 0.000086%; no homozygotes.

Submission:

Labcorp Genetics (formerly Invitae), Labcorp
Classification: Uncertain significance. Last evaluated: 2024-01-29. Review status: criteria provided, single submitter. Criteria: Invitae Variant Classification Sherloc (09022015). Collection method: clinical testing. Allele origin: germline.
Comment: This sequence change replaces histidine, which is basic and polar, with asparagine, which is neutral and polar, at codon 2442 of the DCHS1 protein (p.His2442Asn). This variant is not present in population databases (gnomAD no frequency). This variant has not been reported in the literature in individuals affected with DCHS1-related conditions. Advanced modeling of protein sequence and biophysical properties (such as structural, functional, and spatial information, amino acid conservation, physicochemical variation, residue mobility, and thermodynamic stability) performed at Invitae indicates that this missense variant is not expected to disrupt DCHS1 protein function with a negative predictive value of 80%. In summary, the available evidence is currently insufficient to determine the role of this variant in disease. Therefore, it has been classified as a Variant of Uncertain Significance.

NM_003737.4(DCHS1):c.7324C>A (p.His2442Asn)

Gene: DCHS1 (dachsous cadherin-related 1; minus strand). Cytogenetic location: 11p15.4.
Variant type: single nucleotide variant.
Coding change: c.7324C>A on transcript NM_003737.4 (MANE Select); coding-DNA position 7324, C replaced by A.
Protein change: p.His2442Asn; replaces histidine 2442 with asparagine.
Molecular consequence: missense variant.
Genome position (GRCh38, 1-based): chr11:6,624,352, G>T on the plus strand (C>A on the coding strand, the complement: DCHS1 is on the minus strand). VCF-style: chr11-6624352-G-T. GRCh37 (hg19) VCF-style: chr11-6645583-G-T.
Other names: short protein forms H2442N.
Identifiers: ClinVar variation 2714031 (VCV002714031.3), dbSNP rs2493813361, ClinGen allele CA379483313.